The following is an entry in ClinVar:

NM_000532.5(PCCB):c.164T>C (p.Ile55Thr)

Gene: PCCB (propionyl-CoA carboxylase subunit beta; plus strand). Cytogenetic location: 3q22.3.
Variant type: single nucleotide variant.
Coding change: c.164T>C on transcript NM_000532.5 (MANE Select); coding-DNA position 164, T replaced by C.
Protein change: p.Ile55Thr; replaces isoleucine 55 with threonine.
Molecular consequence: missense variant.
Genome position (GRCh38, 1-based): chr3:136,250,539, T>C. VCF-style: chr3-136250539-T-C. GRCh37 (hg19) VCF-style: chr3-135969381-T-C.
Other names: c.164T>C, p.Ile55Thr (NM_001178014.2); short protein forms I55T.
Identifiers: ClinVar variation 1436257 (VCV001436257.3), dbSNP rs765790211, ClinGen allele CA2631589.

ClinVar aggregate classification (germline): Uncertain significance (1 of 4 stars; one submission).

Conditions:
Propionic acidemia (PROP). Also called: GLYCINEMIA, KETOTIC; HYPERGLYCINEMIA WITH KETOACIDOSIS AND LEUKOPENIA; KETOTIC HYPERGLYCINEMIA. Identifiers: Orphanet 35, MedGen C0268579, MONDO:0011628, OMIM 606054, HP:0003571.

Allele frequency attached by ClinVar (database versions not stated): gnomAD exomes below 0.00001; ExAC 0.00001; TOPMed 0.00002.

Submission:

Labcorp Genetics (formerly Invitae), Labcorp
Classification: Uncertain significance for Propionic acidemia. Last evaluated: 2021-10-31. Review status: criteria provided, single submitter. Criteria: Invitae Variant Classification Sherloc (09022015). Collection method: clinical testing. Allele origin: germline.
Comment: This sequence change replaces isoleucine, which is neutral and non-polar, with threonine, which is neutral and polar, at codon 55 of the PCCB protein (p.Ile55Thr). This variant is present in population databases (rs765790211, gnomAD 0.006%). This variant has not been reported in the literature in individuals affected with PCCB-related conditions. Algorithms developed to predict the effect of missense changes on protein structure and function are either unavailable or do not agree on the potential impact of this missense change (SIFT: "Deleterious"; PolyPhen-2: "Benign"; Align-GVGD: "Class C25"). In summary, the available evidence is currently insufficient to determine the role of this variant in disease. Therefore, it has been classified as a Variant of Uncertain Significance.